The following is an entry in ClinVar:

ClinVar aggregate classification (germline): Uncertain significance. Review status: criteria provided, single submitter (1 of 4 stars). 2 submissions from 2 submitters: Uncertain significance (1). 1 of the submissions does not count toward it. Last evaluated 2021-09-01.

Conditions:
Carnitine palmitoyl transferase 1A deficiency. Also called: CPT deficiency, hepatic, type IA; Carnitine palmitoyltransferase 1A deficiency; CPT I DEFICIENCY; CPT DEFICIENCY, HEPATIC, TYPE I; Carnitine palmitoyltransferase type I deficiency. Identifiers: Orphanet 156, MedGen C1829703, MONDO:0009705, OMIM 255120.

Allele frequency attached by ClinVar (database versions not stated): gnomAD 0.00003 and 0.00004; gnomAD exomes 0.00004; TOPMed 0.00004; ExAC 0.00006; ESP Exome Variant Server 0.00008.
gnomAD v4.1: 30 of 1,613,398 alleles (0.0019%); highest among the groups gnomAD compares: African/African-American, 0.011%; 1 homozygote.

Submissions (2):

Labcorp Genetics (formerly Invitae), Labcorp
Classification: Uncertain significance for Carnitine palmitoyl transferase 1A deficiency. Last evaluated: 2021-09-01. Review status: criteria provided, single submitter. Criteria: Invitae Variant Classification Sherloc (09022015). Collection method: clinical testing. Allele origin: germline.
Comment: This sequence change replaces threonine with methionine at codon 625 of the CPT1A protein (p.Thr625Met). The threonine residue is moderately conserved and there is a moderate physicochemical difference between threonine and methionine. This variant is present in population databases (rs142473901, ExAC 0.04%). This variant has not been reported in the literature in individuals affected with CPT1A-related conditions. Algorithms developed to predict the effect of missense changes on protein structure and function are either unavailable or do not agree on the potential impact of this missense change (SIFT: "Deleterious"; PolyPhen-2: "Benign"; Align-GVGD: "Class C0"). Algorithms developed to predict the effect of sequence changes on RNA splicing suggest that this variant may disrupt the consensus splice site. In summary, the available evidence is currently insufficient to determine the role of this variant in disease. Therefore, it has been classified as a Variant of Uncertain Significance.

Natera, Inc.
Classification: Uncertain significance for Carnitine palmitoyltransferase type I deficiency. Last evaluated: 2020-07-17. Review status: no assertion criteria provided. Collection method: clinical testing. Allele origin: germline. Not counted in ClinVar's aggregate classification.

NM_001876.4(CPT1A):c.1874C>T (p.Thr625Met)

Gene: CPT1A (carnitine palmitoyltransferase 1A; minus strand). Cytogenetic location: 11q13.3.
Variant type: single nucleotide variant.
Coding change: c.1874C>T on transcript NM_001876.4 (MANE Select); coding-DNA position 1874, C replaced by T.
Protein change: p.Thr625Met; replaces threonine 625 with methionine.
Molecular consequence: missense variant.
Genome position (GRCh38, 1-based): chr11:68,762,628, G>A on the plus strand (C>T on the coding strand, the complement: CPT1A is on the minus strand). VCF-style: chr11-68762628-G-A. GRCh37 (hg19) VCF-style: chr11-68530096-G-A.
Other names: c.1874C>T, p.Thr625Met (NM_001031847.3); short protein forms T625M.
Identifiers: ClinVar variation 960447 (VCV000960447.7), dbSNP rs142473901, ClinGen allele CA6152177.